The following is an entry in ClinVar:

ClinVar aggregate classification (germline): Pathogenic. Review status: criteria provided, single submitter (1 of 4 stars). 2 submissions from 2 submitters: Pathogenic (1). 1 of the submissions does not count toward it. Last evaluated 2024-05-29.

Conditions:
Pityriasis rubra pilaris (PRP). Also called: Pityriasis rubra pilaris--familial type. Identifiers: Orphanet 2897, MedGen C0032027, MONDO:0100017, OMIM 173200, MONDO:0008251.
Psoriasis 2. Identifiers: MedGen C1864497, MONDO:0011269, OMIM 602723.
Papulosquamous eruptions.

Submissions (2):

Labcorp Genetics (formerly Invitae), Labcorp
Classification: Pathogenic for Pityriasis rubra pilaris; Psoriasis 2. Last evaluated: 2024-05-29. Review status: criteria provided, single submitter. Criteria: Invitae Variant Classification Sherloc (09022015). Collection method: clinical testing. Allele origin: germline.
Comment: This sequence change replaces leucine, which is neutral and non-polar, with proline, which is neutral and non-polar, at codon 124 of the CARD14 protein (p.Leu124Pro). This variant is not present in population databases (gnomAD no frequency). This missense change has been observed in individual(s) with CARD14-related disease (PMID: 29477734, 29704870). In at least one individual the variant was observed to be de novo. It has also been observed to segregate with disease in related individuals. ClinVar contains an entry for this variant (Variation ID: 684676). Advanced modeling of protein sequence and biophysical properties (such as structural, functional, and spatial information, amino acid conservation, physicochemical variation, residue mobility, and thermodynamic stability) performed at Invitae indicates that this missense variant is expected to disrupt CARD14 protein function with a positive predictive value of 80%. For these reasons, this variant has been classified as Pathogenic.

Yale Center for Mendelian Genomics, Yale University
Classification: Pathogenic for Papulosquamous eruptions. Last evaluated: 2018-03-01. Review status: no assertion criteria provided. Collection method: literature only. Allele origin: de novo. Affected: yes. Observed: 1 heterozygote. Not counted in ClinVar's aggregate classification.

Literature cited by the submitters: PubMed 29477734 (cited by Labcorp Genetics (formerly Invitae), Labcorp and Yale Center for Mendelian Genomics, Yale University); PubMed 29704870 (cited by Labcorp Genetics (formerly Invitae), Labcorp).

NM_001366385.1(CARD14):c.371T>C (p.Leu124Pro)

Gene: CARD14 (caspase recruitment domain family member 14; plus strand). Cytogenetic location: 17q25.3.
Variant type: single nucleotide variant.
Coding change: c.371T>C on transcript NM_001366385.1 (MANE Select); coding-DNA position 371, T replaced by C.
Protein change: p.Leu124Pro; replaces leucine 124 with proline.
Molecular consequence: missense variant. On other transcripts: non-coding transcript variant (1).
Genome position (GRCh38, 1-based): chr17:80,183,934, T>C. VCF-style: chr17-80183934-T-C. GRCh37 (hg19) VCF-style: chr17-78157733-T-C.
Other names: c.371T>C, p.Leu124Pro (NM_001257970.1, NM_024110.4); short protein forms L124P.
Identifiers: ClinVar variation 684676 (VCV000684676.7), dbSNP rs1598639617, ClinGen allele CA401335664.